The following is an entry in ClinVar:

NM_000747.3(CHRNB1):c.271G>A (p.Asp91Asn)

Gene: CHRNB1 (cholinergic receptor nicotinic beta 1 subunit; plus strand). Cytogenetic location: 17p13.1.
Variant type: single nucleotide variant.
Coding change: c.271G>A on transcript NM_000747.3 (MANE Select); coding-DNA position 271, G replaced by A.
Protein change: p.Asp91Asn; replaces aspartic acid 91 with asparagine.
Molecular consequence: missense variant.
Genome position (GRCh38, 1-based): chr17:7,446,860, G>A. VCF-style: chr17-7446860-G-A. GRCh37 (hg19) VCF-style: chr17-7350179-G-A.
Other names: short protein forms D91N.
Identifiers: ClinVar variation 2728537 (VCV002728537.3), dbSNP rs755732708, ClinGen allele CA8347703.

ClinVar aggregate classification (germline): Uncertain significance (1 of 4 stars; one submission).

Conditions:
Congenital myasthenic syndrome 2A. Also called: Myasthenic syndrome, congenital, 2a, slow-channel. Identifiers: Orphanet 590, MedGen C4225374, MONDO:0014581, OMIM 616313.

Allele frequency attached by ClinVar (database versions not stated): TOPMed below 0.00001.
gnomAD v4.1: 52 of 1,613,856 alleles (0.0032%); highest among the groups gnomAD compares: South Asian, 0.057%; no homozygotes.

Submission:

Labcorp Genetics (formerly Invitae), Labcorp
Classification: Uncertain significance for Congenital myasthenic syndrome 2A. Last evaluated: 2023-05-29. Review status: criteria provided, single submitter. Criteria: Invitae Variant Classification Sherloc (09022015). Collection method: clinical testing. Allele origin: germline.
Comment: In summary, the available evidence is currently insufficient to determine the role of this variant in disease. Therefore, it has been classified as a Variant of Uncertain Significance. Advanced modeling of protein sequence and biophysical properties (such as structural, functional, and spatial information, amino acid conservation, physicochemical variation, residue mobility, and thermodynamic stability) performed at Invitae indicates that this missense variant is not expected to disrupt CHRNB1 protein function. This variant has not been reported in the literature in individuals affected with CHRNB1-related conditions. This variant is present in population databases (rs755732708, gnomAD 0.05%). This sequence change replaces aspartic acid, which is acidic and polar, with asparagine, which is neutral and polar, at codon 91 of the CHRNB1 protein (p.Asp91Asn).